The following is an entry in ClinVar:

ClinVar aggregate classification (germline): Uncertain significance. Review status: criteria provided, multiple submitters, no conflicts (2 of 4 stars). 2 submissions from 2 submitters: Uncertain significance (2). Last evaluated 2025-03-04.

Conditions:
DICER1-related tumor predisposition. Also called: DICER1-related pleuropulmonary blastoma cancer predisposition syndrome; DICER1 syndrome. Identifiers: Orphanet 284343, MedGen C3839822, MONDO:0100216.

Allele frequency attached by ClinVar (database versions not stated): TOPMed below 0.00001; ExAC 0.00001; gnomAD exomes 0.00001.
gnomAD v4.1: 2 of 1,614,070 alleles (0.00012%); highest among the groups gnomAD compares: Non-Finnish European, 0.00017%; no homozygotes.

Submissions (2):

Center for Genomic Medicine, Rigshospitalet, Copenhagen University Hospital
Classification: Uncertain significance. Last evaluated: 2025-03-04. Review status: criteria provided, single submitter. Criteria: ACMG Guidelines, 2015. Collection method: clinical testing. Allele origin: germline.

Labcorp Genetics (formerly Invitae), Labcorp
Classification: Uncertain significance for DICER1-related tumor predisposition. Last evaluated: 2021-10-02. Review status: criteria provided, single submitter. Criteria: Invitae Variant Classification Sherloc (09022015). Collection method: clinical testing. Allele origin: germline.
Comment: In summary, the available evidence is currently insufficient to determine the role of this variant in disease. Therefore, it has been classified as a Variant of Uncertain Significance. Algorithms developed to predict the effect of missense changes on protein structure and function are either unavailable or do not agree on the potential impact of this missense change (SIFT: "Tolerated"; PolyPhen-2: "Probably Damaging"; Align-GVGD: "Class C0"). This variant has not been reported in the literature in individuals affected with DICER1-related conditions. This variant is present in population databases (rs745810853, ExAC 0.001%). This sequence change replaces aspartic acid with asparagine at codon 953 of the DICER1 protein (p.Asp953Asn). The aspartic acid residue is highly conserved and there is a small physicochemical difference between aspartic acid and asparagine.

NM_177438.3(DICER1):c.2857G>A (p.Asp953Asn)

Gene: DICER1 (dicer 1, ribonuclease III; minus strand). Cytogenetic location: 14q32.13.
Variant type: single nucleotide variant.
Coding change: c.2857G>A on transcript NM_177438.3 (MANE Select); coding-DNA position 2857, G replaced by A.
Protein change: p.Asp953Asn; replaces aspartic acid 953 with asparagine.
Molecular consequence: missense variant.
Genome position (GRCh38, 1-based): chr14:95,106,171, C>T on the plus strand (G>A on the coding strand, the complement: DICER1 is on the minus strand). VCF-style: chr14-95106171-C-T. GRCh37 (hg19) VCF-style: chr14-95572508-C-T.
Other names: c.2857G>A, p.Asp953Asn (NM_001195573.1, NM_001271282.3, NM_001291628.2 and 1 more transcripts); short protein forms D953N.
Identifiers: ClinVar variation 1462957 (VCV001462957.8), dbSNP rs745810853, ClinGen allele CA7331157.